The following is an entry in ClinVar:

NM_002230.4(JUP):c.1865A>T (p.Asp622Val)

Gene: JUP (junction plakoglobin; minus strand). Cytogenetic location: 17q21.2.
Variant type: single nucleotide variant.
Coding change: c.1865A>T on transcript NM_002230.4 (MANE Select); coding-DNA position 1865, A replaced by T.
Protein change: p.Asp622Val; replaces aspartic acid 622 with valine.
Molecular consequence: missense variant.
Genome position (GRCh38, 1-based): chr17:41,757,693, T>A on the plus strand (A>T on the coding strand, the complement: JUP is on the minus strand). VCF-style: chr17-41757693-T-A. GRCh37 (hg19) VCF-style: chr17-39913945-T-A.
Other names: c.1865A>T (NM_002230.2); c.1865A>T, p.Asp622Val (NM_001352773.2, NM_001352774.2, NM_001352775.2 and 3 more transcripts); short protein forms D622V.
Identifiers: ClinVar variation 1039940 (VCV001039940.11), dbSNP rs1021325325, ClinGen allele CA290695619.

ClinVar aggregate classification (germline): Conflicting classifications of pathogenicity. Review status: criteria provided, conflicting classifications (1 of 4 stars). 3 submissions from 3 submitters: Uncertain significance (2); Likely benign (1). Last evaluated 2025-04-13.

Conditions:
Cardiovascular phenotype. Identifiers: MedGen CN230736.
Arrhythmogenic right ventricular dysplasia 12. Also called: ARRHYTHMOGENIC RIGHT VENTRICULAR DYSPLASIA, FAMILIAL, 12. Identifiers: MedGen C1969081, MONDO:0012684, OMIM 611528.
Naxos disease (NXD). Also called: PALMOPLANTAR KERATODERMA WITH ARRHYTHMOGENIC RIGHT VENTRICULAR CARDIOMYOPATHY AND WOOLLY HAIR; KERATOSIS PALMOPLANTARIS WITH ARRHYTHMOGENIC CARDIOMYOPATHY; MAL DE NAXOS; WOOLLY HAIR, PALMOPLANTAR KERATODERMA, AND CARDIAC ABNORMALITIES; CARDIOMYOPATHY, ARRHYTHMOGENIC RIGHT VENTRICULAR, WITH SKIN, HAIR, AND NAIL ABNORMALITIES. Identifiers: Orphanet 34217, MedGen C1832600, MONDO:0011017, OMIM 601214.

Allele frequency attached by ClinVar (database versions not stated): gnomAD 0.00002; TOPMed 0.00002.
gnomAD v4.1: 3 of 1,613,296 alleles (0.00019%); highest among the groups gnomAD compares: African/African-American, 0.004%; no homozygotes.

Submissions (3):

Labcorp Genetics (formerly Invitae), Labcorp
Classification: Uncertain significance for Arrhythmogenic right ventricular dysplasia 12; Naxos disease. Last evaluated: 2025-04-13. Review status: criteria provided, single submitter. Criteria: Invitae Variant Classification Sherloc (09022015). Collection method: clinical testing. Allele origin: germline.
Comment: This sequence change replaces aspartic acid, which is acidic and polar, with valine, which is neutral and non-polar, at codon 622 of the JUP protein (p.Asp622Val). This variant is present in population databases (no rsID available, gnomAD 0.02%). This variant has not been reported in the literature in individuals affected with JUP-related conditions. ClinVar contains an entry for this variant (Variation ID: 1039940). An algorithm developed to predict the effect of missense changes on protein structure and function (PolyPhen-2) suggests that this variant is likely to be tolerated. In summary, the available evidence is currently insufficient to determine the role of this variant in disease. Therefore, it has been classified as a Variant of Uncertain Significance.

Ambry Genetics
Classification: Likely benign for Cardiovascular phenotype. Last evaluated: 2023-03-18. Review status: criteria provided, single submitter. Criteria: Ambry Variant Classification Scheme 2023. Collection method: clinical testing. Allele origin: germline.

Fulgent Genetics
Classification: Uncertain significance for Naxos disease; Arrhythmogenic right ventricular dysplasia 12. Last evaluated: 2021-10-17. Review status: criteria provided, single submitter. Criteria: ACMG Guidelines, 2015. Collection method: clinical testing. Allele origin: unknown.